The following is an entry in ClinVar:

ClinVar aggregate classification (germline): Uncertain significance (0 of 4 stars; one submission).

Conditions:
IFT172-related disorder. Also called: IFT172-related disorders; IFT172-related condition.

gnomAD v4.1: 8 of 1,613,924 alleles (0.0005%); highest among the groups gnomAD compares: Non-Finnish European, 0.00068%; no homozygotes.

Submission:

PreventionGenetics, part of Exact Sciences
Classification: Uncertain significance for IFT172-related condition. Last evaluated: 2023-11-06. Review status: no assertion criteria provided. Collection method: clinical testing. Allele origin: germline.
Comment: The IFT172 c.1510G>A variant is predicted to result in the amino acid substitution p.Asp504Asn. To our knowledge, this variant has not been reported in the literature or in a large population database, indicating this variant is rare. At this time, the clinical significance of this variant is uncertain due to the absence of conclusive functional and genetic evidence.

NM_015662.3(IFT172):c.1510G>A (p.Asp504Asn)

Gene: IFT172 (intraflagellar transport 172; minus strand). Cytogenetic location: 2p23.3.
Variant type: single nucleotide variant.
Coding change: c.1510G>A on transcript NM_015662.3 (MANE Select); coding-DNA position 1510, G replaced by A.
Protein change: p.Asp504Asn; replaces aspartic acid 504 with asparagine.
Molecular consequence: missense variant.
Genome position (GRCh38, 1-based): chr2:27,472,264, C>T on the plus strand (G>A on the coding strand, the complement: IFT172 is on the minus strand). VCF-style: chr2-27472264-C-T. GRCh37 (hg19) VCF-style: chr2-27695131-C-T.
Other names: c.1510G>A, p.Asp504Asn (NM_001410739.1); short protein forms D504N.
Identifiers: ClinVar variation 3357300 (VCV003357300.1).
Genomic context (GRCh38, chr2:27,472,264, plus strand): 5'-CCTCTGTGGGCCAGCCAATGCCTAAGGCCTTAGTAGCTCTTCTCACACGAAGTTTCCGGT[C>T]CCTGAAGAGGAGCTTGTGTCCAGTCTCATTAAGTTCCAGCCAATCCACACGGCTCTCATG-3'
Protein context (NP_056477.1, residues 494-514): NETGHKLLFR[Asp504Asn]RKLRLHLYDI